The following is an entry in ClinVar:

ClinVar aggregate classification (germline): Uncertain significance (1 of 4 stars; one submission).

Submission:

Labcorp Genetics (formerly Invitae), Labcorp
Classification: Uncertain significance. Last evaluated: 2026-01-27. Review status: criteria provided, single submitter. Criteria: Invitae Variant Classification Sherloc (09022015). Collection method: clinical testing. Allele origin: germline.
Comment: This variant, c.2298_2299delinsAG, is a complex sequence change that results in the deletion of 2 and insertion of 2 amino acid(s) in the LZTR1 protein (p.Met766_Asn767delinsIleAsp). Information on the frequency of this variant in the gnomAD database is not available, as this variant may be reported differently in the database. This variant has not been reported in the literature in individuals affected with LZTR1-related conditions. Experimental studies and prediction algorithms are not available or were not evaluated, and the functional significance of this variant is currently unknown. In summary, the available evidence is currently insufficient to determine the role of this variant in disease. Therefore, it has been classified as a Variant of Uncertain Significance.

NM_006767.4(LZTR1):c.2298_2299delinsAG (p.Met766_Asn767delinsIleAsp)

Gene: LZTR1 (leucine zipper like post translational regulator 1; plus strand). Cytogenetic location: 22q11.21.
Variant type: Indel.
Coding change: c.2298_2299delinsAG on transcript NM_006767.4 (MANE Select); coding-DNA positions 2298 to 2299, GA replaced by AG.
Protein change: p.Met766_Asn767delinsIleAsp.
Molecular consequence: missense variant.
Genome position (GRCh38, 1-based): chr22:20,996,774-20,996,775, GA replaced by AG. VCF-style: chr22-20996774-GA-AG. GRCh37 (hg19) VCF-style: chr22-21351063-GA-AG.
Identifiers: ClinVar variation 4736289 (VCV004736289.1).